The following is an entry in ClinVar:

NM_022124.6(CDH23):c.419G>A (p.Arg140His)

Genes: CDH23 (cadherin related 23; plus strand), CDH23-AS1 (CDH23 antisense RNA 1; minus strand). Cytogenetic location: 10q22.1.
Variant type: single nucleotide variant.
Coding change: c.419G>A on transcript NM_022124.6 (MANE Select); coding-DNA position 419, G replaced by A.
Protein change: p.Arg140His; replaces arginine 140 with histidine.
Molecular consequence: missense variant.
Genome position (GRCh38, 1-based): chr10:71,511,202, G>A. VCF-style: chr10-71511202-G-A. GRCh37 (hg19) VCF-style: chr10-73270959-G-A.
Other names: c.419G>A, p.Arg140His (NM_001171930.2, NM_001171931.2, NM_001171932.2 and 1 more transcripts); short protein forms R140H.
Identifiers: ClinVar variation 968227 (VCV000968227.8), dbSNP rs201361229, ClinGen allele CA5543411.

ClinVar aggregate classification (germline): Uncertain significance. Review status: criteria provided, multiple submitters, no conflicts (2 of 4 stars). 5 submissions from 5 submitters: Uncertain significance (4). 1 of the submissions does not count toward it. Last evaluated 2026-09-11.

Conditions:
CDH23-related disorder. Also called: CDH23-related disorders; CDH23-related condition.
Usher syndrome type 1 (USH1). Also called: RETINITIS PIGMENTOSA AND CONGENITAL DEAFNESS. Identifiers: Orphanet 231169, Orphanet 886, MedGen C1568247, MONDO:0010168, OMIM 276900.

Allele frequency attached by ClinVar (database versions not stated): gnomAD 0.00006; TOPMed 0.00006; ESP Exome Variant Server 0.00008.

Submissions (5):

PreventionGenetics, part of Exact Sciences
Classification: Uncertain significance for CDH23-related condition. Last evaluated: 2026-09-11. Review status: criteria provided, single submitter. Criteria: ACMG Guidelines, 2015. Collection method: clinical testing. Allele origin: germline.
Comment: The CDH23 c.419G>A variant is predicted to result in the amino acid substitution p.Arg140His. This variant was reported along with a second potentially causative CDH23 missense variant in an individual with Usher syndrome (Table S4, Zhao et al. 2015. PubMed ID: 25472526). This variant is reported in 0.025% of alleles in individuals of African descent in gnomAD. At this time, the clinical significance of this variant is uncertain due to the absence of conclusive functional and genetic evidence.

Women's Health and Genetics/Laboratory Corporation of America, LabCorp
Classification: Uncertain significance. Last evaluated: 2023-06-20. Review status: criteria provided, single submitter. Criteria: LabCorp Variant Classification Summary - May 2015. Collection method: clinical testing. Allele origin: germline.
Comment: Variant summary: CDH23 c.419G>A (p.Arg140His) results in a non-conservative amino acid change located in the 2nd cadherin-like repeat domain (IPR002126) of the encoded protein sequence. Three of five in-silico tools predict a benign effect of the variant on protein function. The variant allele was found at a frequency of 4.8e-05 in 249242 control chromosomes (gnomAD). This frequency is not significantly higher than estimated for a pathogenic variant in CDH23 causing Usher Syndrome (4.8e-05 vs 0.0032), allowing no conclusion about variant significance. c.419G>A, has been reported in the literature in a compound heterozygous individual affected with retinal disease and mild hearing loss (i.e. suspected Usher Syndrome), who carried another (VUS) missense variant in trans (Zhao_2015). This report not provide unequivocal conclusions about association of the variant with Usher Syndrome. To our knowledge, no experimental evidence demonstrating an impact on protein function has been reported. The following publication has been ascertained in the context of this evaluation (PMID: 23804846, 25472526). Three submitters have assessed the variant since 2014: all submitters classified the variant as uncertain significance. Based on the evidence outlined above, the variant was classified as uncertain significance.

Labcorp Genetics (formerly Invitae), Labcorp
Classification: Uncertain significance. Last evaluated: 2022-10-04. Review status: criteria provided, single submitter. Criteria: Invitae Variant Classification Sherloc (09022015). Collection method: clinical testing. Allele origin: germline.
Comment: This sequence change replaces arginine, which is basic and polar, with histidine, which is basic and polar, at codon 140 of the CDH23 protein (p.Arg140His). This variant is present in population databases (rs201361229, gnomAD 0.03%). This missense change has been observed in individual(s) with Usher syndrome (PMID: 25472526). ClinVar contains an entry for this variant (Variation ID: 968227). Advanced modeling of protein sequence and biophysical properties (such as structural, functional, and spatial information, amino acid conservation, physicochemical variation, residue mobility, and thermodynamic stability) performed at Invitae indicates that this missense variant is not expected to disrupt CDH23 protein function. In summary, the available evidence is currently insufficient to determine the role of this variant in disease. Therefore, it has been classified as a Variant of Uncertain Significance.

GeneDx
Classification: Uncertain significance. Last evaluated: 2022-07-22. Review status: criteria provided, single submitter. Criteria: GeneDx Variant Classification Process June 2021. Collection method: clinical testing. Allele origin: germline. Affected: yes.
Comment: In silico analysis supports that this missense variant does not alter protein structure/function; Identified with a second CDH23 variant in an adult with retinitis pigmentosa and mild hearing loss in published literature, however the severity of hearing loss was not typical of CDH23-related disorders (Zhao et al., 2015); This variant is associated with the following publications: (PMID: 25472526)

Natera, Inc.
Classification: Uncertain significance for Usher syndrome type 1. Last evaluated: 2020-02-24. Review status: no assertion criteria provided. Collection method: clinical testing. Allele origin: germline. Not counted in ClinVar's aggregate classification.

Literature cited by the submitters: PubMed 25472526 (cited by Women's Health and Genetics/Laboratory Corporation of America, LabCorp and Labcorp Genetics (formerly Invitae), Labcorp); PubMed 23804846 (cited by Women's Health and Genetics/Laboratory Corporation of America, LabCorp).